The following is an entry in ClinVar:

NM_001754.5(RUNX1):c.509-3C>G

Genes: RUNX1 (RUNX family transcription factor 1; minus strand), RUNX1-AS1 (RUNX1 antisense RNA 1; plus strand). Cytogenetic location: 21q22.12.
Variant type: single nucleotide variant.
Coding change: c.509-3C>G on transcript NM_001754.5 (MANE Select); 3 bases into the intron before coding-DNA position 509, C replaced by G.
Molecular consequence: intron variant.
Genome position (GRCh38, 1-based): chr21:34,859,581, G>C on the plus strand (C>G on the coding strand, the complement: RUNX1 is on the minus strand). VCF-style: chr21-34859581-G-C. GRCh37 (hg19) VCF-style: chr21-36231878-G-C.
Other names: c.428-3C>G (NM_001001890.3, NM_001122607.2).
Identifiers: ClinVar variation 1463552 (VCV001463552.7), dbSNP rs2146237064, ClinGen allele CA645608316.

ClinVar aggregate classification (germline): Uncertain significance. Review status: reviewed by expert panel (3 of 4 stars). 2 submissions from 2 submitters: Uncertain significance (1). 1 of the submissions does not count toward it. Last evaluated 2024-09-12.

Conditions:
Hereditary thrombocytopenia and hematologic cancer predisposition syndrome. Identifiers: Orphanet 71290, MedGen CN281654, MONDO:0011071.
Hereditary thrombocytopenia and hematological cancer predisposition syndrome associated with RUNX1. Also called: RUNX1 Familial Platelet Disorder with Associated Myeloid Malignancies; Familial Platelet Disorder with Propensity to Acute Myelogenous Leukemia; Familial thrombocytopenia with propensity to acute myelogenous leukemia; PLATELET DISORDER, ASPIRIN-LIKE. Identifiers: Orphanet 71290, MedGen C1832388, MeSH C563324, MONDO:0100083, OMIM 601399.

Submissions (2):

ClinGen Myeloid Malignancy Variant Curation Expert Panel
Classification: Uncertain significance for Hereditary thrombocytopenia and hematologic cancer predisposition syndrome. Last evaluated: 2024-09-12. Review status: reviewed by expert panel. Criteria: ClinGen MyeloMalig ACMG Specifications v2. Collection method: curation. Allele origin: germline. Inheritance: Autosomal dominant inheritance.
Comment: NM_001754.5(RUNX1):c.509-3C>G is a splice site variant which has a SpliceAI score of 0.99, exceeding the threshold of 0.38 (PP3). This variant is completely absent from all population databases with at least 20x coverage for RUNX1 (PM2_supporting). It segregates with disease in three informative meioses in a family enrolled in the RUNX1 Natural History Study (PP1). Additionally, this variant has been reported in one family with well-documented thrombocytopenia and a qualitative platelet defect in the NIH RUNX1 Natural History Study (PS4_supporting). In summary, the clinical significance of this variant is uncertain. ACMG/AMP criteria applied, as specified by the Myeloid Malignancy Variant Curation Expert Panel for RUNX1: PM2_supporting, PP1, PP3, PS4_supporting.

Labcorp Genetics (formerly Invitae), Labcorp
Classification: Uncertain significance for Hereditary thrombocytopenia and hematological cancer predisposition syndrome associated with RUNX1. Last evaluated: 2024-10-16. Review status: criteria provided, single submitter. Criteria: Invitae Variant Classification Sherloc (09022015). Collection method: clinical testing. Allele origin: germline. Not counted in ClinVar's aggregate classification.
Comment: This sequence change falls in intron 5 of the RUNX1 gene. It does not directly change the encoded amino acid sequence of the RUNX1 protein. It affects a nucleotide within the consensus splice site. This variant is not present in population databases (gnomAD no frequency). This variant has not been reported in the literature in individuals affected with RUNX1-related conditions. ClinVar contains an entry for this variant (Variation ID: 1463552). Variants that disrupt the consensus splice site are a relatively common cause of aberrant splicing (PMID: 17576681, 9536098). Algorithms developed to predict the effect of sequence changes on RNA splicing suggest that this variant may disrupt the consensus splice site. In summary, the available evidence is currently insufficient to determine the role of this variant in disease. Therefore, it has been classified as a Variant of Uncertain Significance.

Literature cited by the submitters: PubMed 17576681 (cited by Labcorp Genetics (formerly Invitae), Labcorp); PubMed 9536098 (cited by Labcorp Genetics (formerly Invitae), Labcorp).